The following is an entry in ClinVar:

ClinVar aggregate classification (germline): Conflicting classifications of pathogenicity. Review status: criteria provided, conflicting classifications (1 of 4 stars). 3 submissions from 3 submitters: Uncertain significance (2); Likely benign (1). Last evaluated 2024-11-24.

Conditions:
Hereditary cancer-predisposing syndrome. Also called: Neoplastic Syndromes, Hereditary; Hereditary Cancer Syndrome; Hereditary neoplastic syndrome; Tumor predisposition. Identifiers: Orphanet 140162, MedGen C0027672, MeSH D009386, MONDO:0015356.
Chuvash polycythemia. Also called: POLYCYTHEMIA, VHL-DEPENDENT. Identifiers: Orphanet 238557, MedGen C1837915, MONDO:0009892, OMIM 263400.
Von Hippel-Lindau syndrome (VHLS). Also called: VHL syndrome; Von Hippel-Lindau; von Hippel–Lindau syndrome. Identifiers: Orphanet 892, MedGen C0019562, MONDO:0008667, OMIM 193300. Disease mechanism: loss of function.

Allele frequency attached by ClinVar (database versions not stated): gnomAD exomes 0.00001.
gnomAD v4.1: 3 of 1,597,368 alleles (0.00019%); highest among the groups gnomAD compares: South Asian, 0.0022%; no homozygotes.

Submissions (3):

Labcorp Genetics (formerly Invitae), Labcorp
Classification: Uncertain significance for Von Hippel-Lindau syndrome; Chuvash polycythemia. Last evaluated: 2024-11-24. Review status: criteria provided, single submitter. Criteria: Invitae Variant Classification Sherloc (09022015). Collection method: clinical testing. Allele origin: germline.
Comment: This sequence change falls in intron 1 of the VHL gene. It does not directly change the encoded amino acid sequence of the VHL protein. It affects a nucleotide within the consensus splice site. This variant is not present in population databases (gnomAD no frequency). This variant has not been reported in the literature in individuals affected with VHL-related conditions. ClinVar contains an entry for this variant (Variation ID: 641664). Variants that disrupt the consensus splice site are a relatively common cause of aberrant splicing (PMID: 17576681, 9536098). Studies have shown that this variant is associated with inconclusive levels of altered splicing (internal data). In summary, the available evidence is currently insufficient to determine the role of this variant in disease. Therefore, it has been classified as a Variant of Uncertain Significance.

Ambry Genetics
Classification: Uncertain significance for Hereditary cancer-predisposing syndrome. Last evaluated: 2024-03-22. Review status: criteria provided, single submitter. Criteria: Ambry Variant Classification Scheme 2023. Collection method: clinical testing. Allele origin: germline.
Comment: The c.340+3A>G intronic variant results from an A to G substitution 3 nucleotides after coding exon 1 in the VHL gene. This nucleotide position is well conserved in available vertebrate species. In silico splice site analysis predicts that this alteration will not have any significant effect on splicing. Based on the available evidence, the clinical significance of this alteration remains unclear.

GeneDx
Classification: Likely benign. Last evaluated: 2019-10-07. Review status: criteria provided, single submitter. Criteria: GeneDx Variant Classification Process June 2021. Collection method: clinical testing. Allele origin: germline. Affected: yes.

Literature cited by the submitters: PubMed 17576681 (cited by Labcorp Genetics (formerly Invitae), Labcorp); PubMed 9536098 (cited by Labcorp Genetics (formerly Invitae), Labcorp).

NM_000551.4(VHL):c.340+3A>G

Gene: VHL (von Hippel-Lindau tumor suppressor; plus strand). Cytogenetic location: 3p25.3.
Variant type: single nucleotide variant.
Coding change: c.340+3A>G on transcript NM_000551.4 (MANE Select); 3 bases into the intron after coding-DNA position 340, A replaced by G.
Molecular consequence: intron variant.
Genome position (GRCh38, 1-based): chr3:10,142,190, A>G. VCF-style: chr3-10142190-A-G. GRCh37 (hg19) VCF-style: chr3-10183874-A-G.
Other names: c.340+3A>G (NM_001354723.2, NM_198156.3).
Identifiers: ClinVar variation 641664 (VCV000641664.16), dbSNP rs1575922597, ClinGen allele CA915941838.